The following is an entry in ClinVar:

ClinVar aggregate classification (germline): Uncertain significance. Review status: criteria provided, multiple submitters, no conflicts (2 of 4 stars). 3 submissions from 3 submitters: Uncertain significance (3). Last evaluated 2025-09-29.

Conditions:
Hereditary cancer-predisposing syndrome. Also called: Neoplastic Syndromes, Hereditary; Tumor predisposition; Hereditary Cancer Syndrome; Hereditary neoplastic syndrome. Identifiers: Orphanet 140162, MedGen C0027672, MeSH D009386, MONDO:0015356.

Allele frequency attached by ClinVar (database versions not stated): gnomAD 0.00001; gnomAD exomes 0.00002; ExAC 0.00003.
gnomAD v4.1: 23 of 1,610,430 alleles (0.0014%); highest among the groups gnomAD compares: South Asian, 0.026%; 2 homozygotes.

Submissions (3):

Quest Diagnostics Nichols Institute San Juan Capistrano
Classification: Uncertain significance. Last evaluated: 2025-09-29. Review status: criteria provided, single submitter. Criteria: Quest Diagnostics criteria. Collection method: clinical testing. Allele origin: unknown.
Comment: The RAD50 c.1052G>T (p.Gly351Val) variant, to the best of our knowledge, has not been reported in the published literature. The frequency of this variant in the general population (Genome Aggregation Database) is uninformative in the assessment of its pathogenicity. Analysis of this variant using bioinformatics tools for the prediction of the effect of amino acid changes on protein structure and function yielded conflicting predictions that this variant is benign or damaging. Additional analysis using software algorithms for the prediction of the effect of nucleotide changes on splicing yielded predictions that this variant may affect proper RAD50 mRNA splicing. Based on the available information, we are unable to determine the clinical significance of this variant.

Labcorp Genetics (formerly Invitae), Labcorp
Classification: Uncertain significance for Hereditary cancer-predisposing syndrome. Last evaluated: 2024-12-02. Review status: criteria provided, single submitter. Criteria: Invitae Variant Classification Sherloc (09022015). Collection method: clinical testing. Allele origin: germline.
Comment: This sequence change replaces glycine, which is neutral and non-polar, with valine, which is neutral and non-polar, at codon 351 of the RAD50 protein (p.Gly351Val). This variant is present in population databases (rs747560224, gnomAD 0.02%). This variant has not been reported in the literature in individuals affected with RAD50-related conditions. ClinVar contains an entry for this variant (Variation ID: 457363). An algorithm developed to predict the effect of missense changes on protein structure and function (PolyPhen-2) suggests that this variant is likely to be disruptive. In summary, the available evidence is currently insufficient to determine the role of this variant in disease. Therefore, it has been classified as a Variant of Uncertain Significance.

Ambry Genetics
Classification: Uncertain significance for Hereditary cancer-predisposing syndrome. Last evaluated: 2022-04-19. Review status: criteria provided, single submitter. Criteria: Ambry Variant Classification Scheme 2023. Collection method: clinical testing. Allele origin: germline.
Comment: The p.G351V variant (also known as c.1052G>T) is located in coding exon 8 of the RAD50 gene. The glycine at codon 351 is replaced by valine, an amino acid with dissimilar properties. This change occurs in the first base pair of coding exon 8. This amino acid position is conserved. In addition, the in silico prediction for this alteration is inconclusive. Since supporting evidence is limited at this time, the clinical significance of this alteration remains unclear.

NM_005732.4(RAD50):c.1052G>T (p.Gly351Val)

Gene: RAD50 (RAD50 double strand break repair protein; plus strand). Cytogenetic location: 5q31.1.
Variant type: single nucleotide variant.
Coding change: c.1052G>T on transcript NM_005732.4 (MANE Select); coding-DNA position 1052, G replaced by T.
Protein change: p.Gly351Val; replaces glycine 351 with valine.
Molecular consequence: missense variant.
Genome position (GRCh38, 1-based): chr5:132,588,687, G>T. VCF-style: chr5-132588687-G-T. GRCh37 (hg19) VCF-style: chr5-131924379-G-T.
Other names: short protein forms G351V.
Identifiers: ClinVar variation 457363 (VCV000457363.14), dbSNP rs747560224, ClinGen allele CA3405109.